The following is an entry in ClinVar:

NM_005477.3(HCN4):c.1391A>G (p.Gln464Arg)

Gene: HCN4 (hyperpolarization activated cyclic nucleotide gated potassium channel 4; minus strand). Cytogenetic location: 15q24.1.
Variant type: single nucleotide variant.
Coding change: c.1391A>G on transcript NM_005477.3 (MANE Select); coding-DNA position 1391, A replaced by G.
Protein change: p.Gln464Arg; replaces glutamine 464 with arginine.
Molecular consequence: missense variant.
Genome position (GRCh38, 1-based): chr15:73,329,772, T>C on the plus strand (A>G on the coding strand, the complement: HCN4 is on the minus strand). VCF-style: chr15-73329772-T-C. GRCh37 (hg19) VCF-style: chr15-73622113-T-C.
Other names: short protein forms Q464R.
Identifiers: ClinVar variation 4748613 (VCV004748613.1).

ClinVar aggregate classification (germline): Uncertain significance (1 of 4 stars; one submission).

Conditions:
Brugada syndrome 8 (BRGDA8). Identifiers: Orphanet 130, MedGen C2751083, MONDO:0013148, OMIM 613123.

Submission:

Labcorp Genetics (formerly Invitae), Labcorp
Classification: Uncertain significance for Brugada syndrome 8. Last evaluated: 2026-01-11. Review status: criteria provided, single submitter. Criteria: Invitae Variant Classification Sherloc (09022015). Collection method: clinical testing. Allele origin: germline.
Comment: This sequence change replaces glutamine, which is neutral and polar, with arginine, which is basic and polar, at codon 464 of the HCN4 protein (p.Gln464Arg). This variant is not present in population databases (gnomAD no frequency). This variant has not been reported in the literature in individuals affected with HCN4-related conditions. Invitae Evidence Modeling of protein sequence and biophysical properties (such as structural, functional, and spatial information, amino acid conservation, physicochemical variation, residue mobility, and thermodynamic stability) has been performed for this missense variant. However, the output from this modeling did not meet the statistical confidence thresholds required to predict the impact of this variant on HCN4 protein function. In summary, the available evidence is currently insufficient to determine the role of this variant in disease. Therefore, it has been classified as a Variant of Uncertain Significance.